The following is an entry in ClinVar:

NM_000202.8(IDS):c.880C>T (p.Arg294Trp)

Genes: IDS (iduronate 2-sulfatase; minus strand), LOC106050102 (IDS recombination region; plus strand). Cytogenetic location: Xq28.
Variant type: single nucleotide variant.
Coding change: c.880C>T on transcript NM_000202.8 (MANE Select); coding-DNA position 880, C replaced by T.
Protein change: p.Arg294Trp; replaces arginine 294 with tryptophan.
Molecular consequence: missense variant. On other transcripts: non-coding transcript variant (1).
Genome position (GRCh38, 1-based): chrX:149,490,440, G>A on the plus strand (C>T on the coding strand, the complement: IDS is on the minus strand). VCF-style: chrX-149490440-G-A. GRCh37 (hg19) VCF-style: chrX-148571971-G-A.
Other names: c.610C>T, p.Arg204Trp (NM_001166550.4); c.880C>T, p.Arg294Trp (NM_006123.5); short protein forms R294W, R204W.
Identifiers: ClinVar variation 2069586 (VCV002069586.1), dbSNP rs199754105, ClinGen allele CA337036003.

ClinVar aggregate classification (germline): Uncertain significance (1 of 4 stars; one submission).

Conditions:
Mucopolysaccharidosis, MPS-II (MPS2). Also called: IDS deficiency; Sulfoiduronate sulfatase deficiency; SIDS deficiency; Mucopolysaccharidosis type 2; Mucopolysaccharidosis with skin involvement; Attenuated MPS (subtype; formerly known as mild MPS II). Identifiers: Orphanet 580, Orphanet 79388, MedGen C0026705, MONDO:0010674, OMIM 309900.

Allele frequency attached by ClinVar (database versions not stated): TOPMed 0.00003; gnomAD exomes 0.00004; gnomAD 0.00006.
gnomAD v4.1: 50 of 1,208,293 alleles (0.0041%); highest among the groups gnomAD compares: African/African-American, 0.0088%; no homozygotes.

Submission:

Labcorp Genetics (formerly Invitae), Labcorp
Classification: Uncertain significance for Mucopolysaccharidosis, MPS-II. Last evaluated: 2022-07-29. Review status: criteria provided, single submitter. Criteria: Invitae Variant Classification Sherloc (09022015). Collection method: clinical testing. Allele origin: germline.
Comment: This sequence change replaces arginine, which is basic and polar, with tryptophan, which is neutral and slightly polar, at codon 294 of the IDS protein (p.Arg294Trp). This variant is present in population databases (rs199754105, gnomAD 0.007%), including at least one homozygous and/or hemizygous individual. This variant has not been reported in the literature in individuals affected with IDS-related conditions. Algorithms developed to predict the effect of missense changes on protein structure and function are either unavailable or do not agree on the potential impact of this missense change (SIFT: "Deleterious"; PolyPhen-2: "Possibly Damaging"; Align-GVGD: "Class C0"). In summary, the available evidence is currently insufficient to determine the role of this variant in disease. Therefore, it has been classified as a Variant of Uncertain Significance.